The following is an entry in ClinVar:

ClinVar aggregate classification (germline): Uncertain significance (1 of 4 stars; one submission).

Conditions:
Developmental and epileptic encephalopathy. Identifiers: MedGen C5779964, MONDO:0100620.

Submission:

Labcorp Genetics (formerly Invitae), Labcorp
Classification: Uncertain significance for Early infantile epileptic encephalopathy. Last evaluated: 2018-04-04. Review status: criteria provided, single submitter. Criteria: Invitae Variant Classification Sherloc (09022015). Collection method: clinical testing. Allele origin: germline.
Comment: This sequence change replaces valine with aspartic acid at codon 1215 of the SCN1A protein (p.Val1215Asp). The valine residue is highly conserved and there is a large physicochemical difference between valine and aspartic acid. This variant is not present in population databases (ExAC no frequency). This variant has not been reported in the literature in individuals with SCN1A-related disease. Algorithms developed to predict the effect of missense changes on protein structure and function (SIFT, PolyPhen-2, Align-GVGD) all suggest that this variant is likely to be disruptive, but these predictions have not been confirmed by published functional studies and their clinical significance is uncertain. This variant identified in the SCN1A gene is located in the transmembrane spanning D3-S1 region of the resulting protein (PMID: 25348405, 18804930), but it is unclear how this variant impacts the function of this protein. In summary, the available evidence is currently insufficient to determine the role of this variant in disease. Therefore, it has been classified as a Variant of Uncertain Significance.

Literature cited by the submitters: PubMed 25348405; PubMed 18804930.

NM_001165963.4(SCN1A):c.3644T>A (p.Val1215Asp)

Genes: SCN1A (sodium voltage-gated channel alpha subunit 1; minus strand), LOC102724058 (uncharacterized LOC102724058; plus strand). Cytogenetic location: 2q24.3.
Variant type: single nucleotide variant.
Coding change: c.3644T>A on transcript NM_001165963.4 (MANE Select); coding-DNA position 3644, T replaced by A.
Protein change: p.Val1215Asp; replaces valine 1215 with aspartic acid.
Molecular consequence: missense variant. On other transcripts: non-coding transcript variant (1).
Genome position (GRCh38, 1-based): chr2:166,013,805, A>T on the plus strand (T>A on the coding strand, the complement: SCN1A is on the minus strand). VCF-style: chr2-166013805-A-T. GRCh37 (hg19) VCF-style: chr2-166870315-A-T.
Other names: c.3560T>A, p.Val1187Asp (NM_001165964.3, NM_001353957.2, NM_001353958.2); c.3644T>A, p.Val1215Asp (NM_001202435.3, NM_001353948.2); c.3611T>A, p.Val1204Asp (NM_001353949.2, NM_001353950.2, NM_001353951.2 and 2 more transcripts); c.3608T>A, p.Val1203Asp (NM_001353954.2, NM_001353955.2); c.3557T>A, p.Val1186Asp (NM_001353960.2); c.1202T>A, p.Val401Asp (NM_001353961.2); short protein forms V1204D, V1215D, V401D, V1186D, V1187D, V1203D.
Identifiers: ClinVar variation 576413 (VCV000576413.2), dbSNP rs1559148930, ClinGen allele CA349056039.
Genomic context (GRCh38, chr2:166,013,805, plus strand): 5'-AGAGCACCACTACTAAGGAGAATCATGAAAACAATGAAGGTCTCAAACCAGTTATGTTCA[A>T]CTATTCGGAAACACGTCCTTCTCAGGTTCCACCATTGTTTTCCTCTGCCTTCTTCCACAT-3'
Protein context (NP_001159435.1, residues 1205-1225): WNLRRTCFRI[Val1215Asp]EHNWFETFIV